The following is an entry in ClinVar:

NM_001844.5(COL2A1):c.3002C>T (p.Ser1001Leu)

Gene: COL2A1 (collagen type II alpha 1 chain; minus strand). Cytogenetic location: 12q13.11.
Variant type: single nucleotide variant.
Coding change: c.3002C>T on transcript NM_001844.5 (MANE Select); coding-DNA position 3002, C replaced by T.
Protein change: p.Ser1001Leu; replaces serine 1001 with leucine.
Molecular consequence: missense variant.
Genome position (GRCh38, 1-based): chr12:47,978,292, G>A on the plus strand (C>T on the coding strand, the complement: COL2A1 is on the minus strand). VCF-style: chr12-47978292-G-A. GRCh37 (hg19) VCF-style: chr12-48372075-G-A.
Other names: c.2795C>T, p.Ser932Leu (NM_033150.3); short protein forms S1001L, S932L.
Identifiers: ClinVar variation 1500349 (VCV001500349.30), dbSNP rs765898571, ClinGen allele CA6534932.

ClinVar aggregate classification (germline): Uncertain significance. Review status: criteria provided, multiple submitters, no conflicts (2 of 4 stars). 2 submissions from 2 submitters: Uncertain significance (2). Last evaluated 2025-04-02.

Allele frequency attached by ClinVar (database versions not stated): gnomAD exomes 0.00001; TOPMed 0.00001; ExAC 0.00001; gnomAD 0.00001.
gnomAD v4.1: 15 of 1,613,732 alleles (0.00093%); highest among the groups gnomAD compares: African/African-American, 0.004%; no homozygotes.

Submissions (2):

Labcorp Genetics (formerly Invitae), Labcorp
Classification: Uncertain significance. Last evaluated: 2025-04-02. Review status: criteria provided, single submitter. Criteria: Invitae Variant Classification Sherloc (09022015). Collection method: clinical testing. Allele origin: germline.
Comment: This sequence change replaces serine, which is neutral and polar, with leucine, which is neutral and non-polar, at codon 1001 of the COL2A1 protein (p.Ser1001Leu). This variant is present in population databases (rs765898571, gnomAD 0.01%). This variant has not been reported in the literature in individuals affected with COL2A1-related conditions. ClinVar contains an entry for this variant (Variation ID: 1500349). Experimental studies and prediction algorithms are not available or were not evaluated, and the functional significance of this variant is currently unknown. In summary, the available evidence is currently insufficient to determine the role of this variant in disease. Therefore, it has been classified as a Variant of Uncertain Significance.

CeGaT Center for Human Genetics Tuebingen
Classification: Uncertain significance. Last evaluated: 2022-06-01. Review status: criteria provided, single submitter. Criteria: CeGaT Center For Human Genetics Tuebingen Variant Classification Criteria Version 2. Collection method: clinical testing. Allele origin: germline. Affected: yes. Observed: 2 variant alleles.